The following is an entry in ClinVar:

ClinVar aggregate classification (germline): Uncertain significance (1 of 4 stars; one submission).

Conditions:
Hereditary cancer-predisposing syndrome. Also called: Hereditary neoplastic syndrome; Tumor predisposition; Hereditary Cancer Syndrome; Neoplastic Syndromes, Hereditary. Identifiers: Orphanet 140162, MedGen C0027672, MeSH D009386, MONDO:0015356.

gnomAD v4.1: 2 of 1,612,790 alleles (0.00012%); highest among the groups gnomAD compares: East Asian, 0.0045%; no homozygotes.

Submission:

Ambry Genetics
Classification: Uncertain significance for Hereditary cancer-predisposing syndrome. Last evaluated: 2023-08-07. Review status: criteria provided, single submitter. Criteria: Ambry Variant Classification Scheme 2023. Collection method: clinical testing. Allele origin: germline.
Comment: The p.T254N variant (also known as c.761C>A), located in coding exon 7 of the MRE11A gene, results from a C to A substitution at nucleotide position 761. The threonine at codon 254 is replaced by asparagine, an amino acid with similar properties. This amino acid position is conserved. In addition, this alteration is predicted to be tolerated by in silico analysis. Since supporting evidence is limited at this time, the clinical significance of this alteration remains unclear.

NM_005591.4(MRE11):c.761C>A (p.Thr254Asn)

Gene: MRE11 (MRE11 double strand break repair nuclease; minus strand). Cytogenetic location: 11q21.
Variant type: single nucleotide variant.
Coding change: c.761C>A on transcript NM_005591.4 (MANE Select); coding-DNA position 761, C replaced by A.
Protein change: p.Thr254Asn; replaces threonine 254 with asparagine.
Molecular consequence: missense variant.
Genome position (GRCh38, 1-based): chr11:94,471,658, G>T on the plus strand (C>A on the coding strand, the complement: MRE11 is on the minus strand). VCF-style: chr11-94471658-G-T. GRCh37 (hg19) VCF-style: chr11-94204824-G-T.
Other names: c.761C>A, p.Thr254Asn (NM_001330347.2, NM_005590.4); short protein forms T254N.
Identifiers: ClinVar variation 2586213 (VCV002586213.2), dbSNP rs864622495, ClinGen allele CA382375727.